The following is an entry in ClinVar:

ClinVar aggregate classification (germline): Uncertain significance. Review status: criteria provided, multiple submitters, no conflicts (2 of 4 stars). 3 submissions from 3 submitters: Uncertain significance (3). Last evaluated 2024-11-01.

Conditions:
Hereditary pulmonary alveolar proteinosis. Also called: Pulmonary surfactant metabolism dysfunction. Identifiers: Orphanet 264675, MedGen C3711368, MONDO:0012580.

Allele frequency attached by ClinVar (database versions not stated): gnomAD 0.00005; TOPMed 0.00008; ESP Exome Variant Server 0.00015.
gnomAD v4.1: 78 of 1,613,944 alleles (0.0048%); highest among the groups gnomAD compares: Non-Finnish European, 0.0058%; no homozygotes.

Submissions (3):

Blueprint Genetics
Classification: Uncertain significance. Last evaluated: 2024-11-01. Review status: criteria provided, single submitter. Criteria: ACMG Guidelines, 2015. Collection method: clinical testing. Allele origin: germline.

Ambry Genetics
Classification: Uncertain significance for Hereditary pulmonary alveolar proteinosis. Last evaluated: 2024-07-30. Review status: criteria provided, single submitter. Criteria: Ambry Variant Classification Scheme 2023. Collection method: clinical testing. Allele origin: germline.

Labcorp Genetics (formerly Invitae), Labcorp
Classification: Uncertain significance. Last evaluated: 2022-03-10. Review status: criteria provided, single submitter. Criteria: Invitae Variant Classification Sherloc (09022015). Collection method: clinical testing. Allele origin: germline.
Comment: This sequence change replaces proline, which is neutral and non-polar, with leucine, which is neutral and non-polar, at codon 216 of the SFTPB protein (p.Pro216Leu). In summary, the available evidence is currently insufficient to determine the role of this variant in disease. Therefore, it has been classified as a Variant of Uncertain Significance. Algorithms developed to predict the effect of missense changes on protein structure and function are either unavailable or do not agree on the potential impact of this missense change (SIFT: "Deleterious"; PolyPhen-2: "Probably Damaging"; Align-GVGD: "Class C0"). This variant has not been reported in the literature in individuals affected with SFTPB-related conditions. This variant is present in population databases (rs150799880, gnomAD 0.004%).

NM_000542.5(SFTPB):c.611C>T (p.Pro204Leu)

Gene: SFTPB (surfactant protein B; minus strand). Cytogenetic location: 2p11.2.
Variant type: single nucleotide variant.
Coding change: c.611C>T on transcript NM_000542.5 (MANE Select); coding-DNA position 611, C replaced by T.
Protein change: p.Pro204Leu; replaces proline 204 with leucine.
Molecular consequence: missense variant.
Genome position (GRCh38, 1-based): chr2:85,665,350, G>A on the plus strand (C>T on the coding strand, the complement: SFTPB is on the minus strand). VCF-style: chr2-85665350-G-A. GRCh37 (hg19) VCF-style: chr2-85892473-G-A.
Other names: c.611C>T, p.Pro204Leu (NM_001367281.2, NM_198843.4); short protein forms P204L.
Identifiers: ClinVar variation 2184043 (VCV002184043.7), dbSNP rs150799880, ClinGen allele CA1743980.
Genomic context (GRCh38, chr2:85,665,350, plus strand): 5'-TTGGGAATCATGGCTTGGATCCGCTTGATCAGAGCCCTGCAGAGCCAGCAATAGGGGAGA[G>A]GAATGGGGAATTGCTGCTCGGAGAGATCCTGGGGAAAGAATCAGGTGGAGGCCAGGCTGG-3'
Protein context (NP_000533.4, residues 194-214): QDLSEQQFPI[Pro204Leu]LPYCWLCRAL